The following is an entry in ClinVar:

NM_152305.3(POGLUT1):c.85+20G>T

Gene: POGLUT1 (protein O-glucosyltransferase 1; plus strand). Cytogenetic location: 3q13.33.
Variant type: single nucleotide variant.
Coding change: c.85+20G>T on transcript NM_152305.3 (MANE Select); 20 bases into the intron after coding-DNA position 85, G replaced by T.
Molecular consequence: intron variant.
Genome position (GRCh38, 1-based): chr3:119,469,126, G>T. VCF-style: chr3-119469126-G-T. GRCh37 (hg19) VCF-style: chr3-119187973-G-T.
Identifiers: ClinVar variation 1619896 (VCV001619896.11), dbSNP rs75388849, ClinGen allele CA2554717.

ClinVar aggregate classification (germline): Benign/Likely benign. Review status: criteria provided, multiple submitters, no conflicts (2 of 4 stars). 3 submissions from 3 submitters: Benign (1); Likely benign (2). Last evaluated 2026-01-22.

Allele frequency attached by ClinVar (database versions not stated): gnomAD exomes 0.00058; ExAC 0.00124; gnomAD 0.00215 and 0.00234; 1000 Genomes Project 0.00240; 1000 Genomes Project 30x 0.00250; ESP Exome Variant Server 0.00255.
gnomAD v4.1: 606 of 1,572,812 alleles (0.039%); highest among the groups gnomAD compares: African/African-American, 0.74%; 3 homozygotes.

Submissions (3):

Labcorp Genetics (formerly Invitae), Labcorp
Classification: Benign. Last evaluated: 2026-01-22. Review status: criteria provided, single submitter. Criteria: Invitae Variant Classification Sherloc (09022015). Collection method: clinical testing. Allele origin: germline.

Blueprint Genetics
Classification: Likely benign. Last evaluated: 2024-07-09. Review status: criteria provided, single submitter. Criteria: ACMG Guidelines, 2015. Collection method: clinical testing. Allele origin: germline.

GeneDx
Classification: Likely benign. Last evaluated: 2021-10-30. Review status: criteria provided, single submitter. Criteria: GeneDx Variant Classification Process June 2021. Collection method: clinical testing. Allele origin: germline. Affected: yes.
Comment: See Variant Classification Assertion Criteria.